The following is an entry in ClinVar:

NM_002691.4(POLD1):c.426C>G (p.His142Gln)

Gene: POLD1 (DNA polymerase delta 1, catalytic subunit; plus strand). Cytogenetic location: 19q13.33.
Variant type: single nucleotide variant.
Coding change: c.426C>G on transcript NM_002691.4 (MANE Select); coding-DNA position 426, C replaced by G.
Protein change: p.His142Gln; replaces histidine 142 with glutamine.
Molecular consequence: missense variant. On other transcripts: non-coding transcript variant (1).
Genome position (GRCh38, 1-based): chr19:50,401,887, C>G. VCF-style: chr19-50401887-C-G. GRCh37 (hg19) VCF-style: chr19-50905144-C-G.
Other names: c.426C>G, p.His142Gln (NM_001256849.1, NM_001308632.1); c.426C>G (NM_002691.2); short protein forms H142Q.
Identifiers: ClinVar variation 469351 (VCV000469351.17), dbSNP rs201187429, ClinGen allele CA9595726.

ClinVar aggregate classification (germline): Conflicting classifications of pathogenicity. Review status: criteria provided, conflicting classifications (1 of 4 stars). 4 submissions from 4 submitters: Uncertain significance (3); Likely benign (1). Last evaluated 2026-01-08.

Conditions:
POLD1-related polyposis and colorectal cancer syndrome (CRCS10). Also called: Colorectal cancer 10; COLORECTAL CANCER, SUSCEPTIBILITY TO, ON CHROMOSOME 19q; Colorectal cancer, susceptibility to, 10. Identifiers: Orphanet 220460, MedGen C2675481, MONDO:0012953, OMIM 612591.
Hereditary cancer-predisposing syndrome. Also called: Neoplastic Syndromes, Hereditary; Hereditary neoplastic syndrome; Tumor predisposition; Hereditary Cancer Syndrome. Identifiers: Orphanet 140162, MedGen C0027672, MeSH D009386, MONDO:0015356.

Allele frequency attached by ClinVar (database versions not stated): gnomAD 0.00004; TOPMed 0.00010.

Submissions (4):

Labcorp Genetics (formerly Invitae), Labcorp
Classification: Uncertain significance for POLD1-related polyposis and colorectal cancer syndrome. Last evaluated: 2026-01-08. Review status: criteria provided, single submitter. Criteria: Invitae Variant Classification Sherloc (09022015). Collection method: clinical testing. Allele origin: germline.
Comment: This sequence change replaces histidine, which is basic and polar, with glutamine, which is neutral and polar, at codon 142 of the POLD1 protein (p.His142Gln). This variant is present in population databases (rs201187429, gnomAD 0.008%). This variant has not been reported in the literature in individuals affected with POLD1-related conditions. ClinVar contains an entry for this variant (Variation ID: 469351). Invitae Evidence Modeling of protein sequence and biophysical properties (such as structural, functional, and spatial information, amino acid conservation, physicochemical variation, residue mobility, and thermodynamic stability) indicates that this missense variant is not expected to disrupt POLD1 protein function with a negative predictive value of 80%. RNA analysis performed to evaluate the impact of this missense change on mRNA splicing indicates it does not significantly alter splicing (internal data). In summary, the available evidence is currently insufficient to determine the role of this variant in disease. Therefore, it has been classified as a Variant of Uncertain Significance.

Ambry Genetics
Classification: Likely benign for Hereditary cancer-predisposing syndrome. Last evaluated: 2025-02-18. Review status: criteria provided, single submitter. Criteria: Ambry Variant Classification Scheme 2023. Collection method: clinical testing. Allele origin: germline.

GeneDx
Classification: Uncertain significance. Last evaluated: 2025-01-12. Review status: criteria provided, single submitter. Criteria: GeneDx Variant Classification Process June 2021. Collection method: clinical testing. Allele origin: germline. Affected: yes.
Comment: In silico analysis supports that this missense variant has a deleterious effect on protein structure/function; Has not been previously published as pathogenic or benign to our knowledge; In silico analysis suggests this variant may impact gene splicing. In the absence of RNA/functional studies, the actual effect of this sequence change is unknown; This variant is associated with the following publications: (PMID: 31034466)

MGZ Medical Genetics Center
Classification: Uncertain significance for POLD1-related polyposis and colorectal cancer syndrome. Last evaluated: 2022-04-25. Review status: criteria provided, single submitter. Criteria: ACMG Guidelines, 2015. Collection method: clinical testing. Allele origin: germline. Affected: yes. Observed: 1 variant allele.
Comment: ACMG criteria applied: PM2_SUP, BP4